The following is an entry in ClinVar:

ClinVar aggregate classification (germline): Uncertain significance. Review status: criteria provided, multiple submitters, no conflicts (2 of 4 stars). 4 submissions from 4 submitters: Uncertain significance (4). Last evaluated 2025-06-13.

Conditions:
Carney-Stratakis syndrome. Also called: PARAGANGLIOMA AND GASTROINTESTINAL STROMAL TUMOR. Identifiers: Orphanet 97286, MedGen C1847319, MONDO:0011740, OMIM 606864.
Paragangliomas with sensorineural hearing loss. Identifiers: MedGen C1868633.
Cowden syndrome 3 (CWS3). Identifiers: Orphanet 201, MedGen CN166604, MONDO:0014045.
Pheochromocytoma. Also called: MAX-Related Hereditary Paraganglioma-Pheochromocytoma Syndrome. Identifiers: Orphanet 29072, MedGen C0031511, MONDO:0008233, OMIM 171300, HP:0002666.
Hereditary pheochromocytoma and paraganglioma. Also called: Hereditary Paraganglioma-Pheochromocytoma Syndromes; Hereditary paragangliomas and pheochromocytomas; Hereditary pheochromocytoma-paraganglioma. Identifiers: Orphanet 29072, MedGen C4274332, MONDO:0017366.
Hereditary cancer-predisposing syndrome. Also called: Neoplastic Syndromes, Hereditary; Hereditary Cancer Syndrome; Tumor predisposition; Hereditary neoplastic syndrome. Identifiers: Orphanet 140162, MedGen C0027672, MeSH D009386, MONDO:0015356.

Submissions (4):

GeneDx
Classification: Uncertain significance. Last evaluated: 2025-06-13. Review status: criteria provided, single submitter. Criteria: GeneDx Variant Classification Process June 2021. Collection method: clinical testing. Allele origin: germline. Affected: yes.
Comment: Not observed at significant frequency in large population cohorts (gnomAD); In silico analysis supports that this missense variant has a deleterious effect on protein structure/function; In silico analysis supports a deleterious effect on splicing; Has not been previously published as pathogenic or benign to our knowledge

Labcorp Genetics (formerly Invitae), Labcorp
Classification: Uncertain significance for Carney-Stratakis syndrome; Paragangliomas with sensorineural hearing loss; Pheochromocytoma; Cowden syndrome 3. Last evaluated: 2025-03-16. Review status: criteria provided, single submitter. Criteria: Invitae Variant Classification Sherloc (09022015). Collection method: clinical testing. Allele origin: germline.
Comment: This sequence change replaces cysteine, which is neutral and slightly polar, with tyrosine, which is neutral and polar, at codon 44 of the SDHD protein (p.Cys44Tyr). This variant is not present in population databases (gnomAD no frequency). This variant has not been reported in the literature in individuals affected with SDHD-related conditions. ClinVar contains an entry for this variant (Variation ID: 574548). Invitae Evidence Modeling of protein sequence and biophysical properties (such as structural, functional, and spatial information, amino acid conservation, physicochemical variation, residue mobility, and thermodynamic stability) indicates that this missense variant is not expected to disrupt SDHD protein function with a negative predictive value of 95%. Algorithms developed to predict the effect of sequence changes on RNA splicing suggest that this variant may disrupt the consensus splice site. In summary, the available evidence is currently insufficient to determine the role of this variant in disease. Therefore, it has been classified as a Variant of Uncertain Significance.

Ambry Genetics
Classification: Uncertain significance for Hereditary cancer-predisposing syndrome. Last evaluated: 2024-04-26. Review status: criteria provided, single submitter. Criteria: Ambry Variant Classification Scheme 2023. Collection method: clinical testing. Allele origin: germline.
Comment: The p.C44Y variant (also known as c.131G>A), located in coding exon 2 of the SDHD gene, results from a G to A substitution at nucleotide position 131. The cysteine at codon 44 is replaced by tyrosine, an amino acid with highly dissimilar properties. This amino acid position is well conserved in available vertebrate species. In addition, the in silico prediction for this alteration is inconclusive. Based on the available evidence, the clinical significance of this variant remains unclear.

All of Us Research Program, National Institutes of Health
Classification: Uncertain significance for Hereditary pheochromocytoma and paraganglioma. Last evaluated: 2023-05-31. Review status: criteria provided, single submitter. Criteria: ACMG Guidelines, 2015. Collection method: clinical testing. Allele origin: germline. Inheritance: Autosomal dominant inheritance. Observed: 1 variant allele, 1 heterozygote.
Comment: This study involves interpretation of variants in research participants for the purpose of population health screening. Participant phenotype was not available at the time of variant classification. Additional details can be found in publication PMID: 35346344, PMCID: PMC8962531

NM_003002.4(SDHD):c.131G>A (p.Cys44Tyr)

Gene: SDHD (succinate dehydrogenase complex subunit D; plus strand). Cytogenetic location: 11q23.1.
Variant type: single nucleotide variant.
Coding change: c.131G>A on transcript NM_003002.4 (MANE Select); coding-DNA position 131, G replaced by A.
Protein change: p.Cys44Tyr; replaces cysteine 44 with tyrosine.
Molecular consequence: missense variant. On other transcripts: non-coding transcript variant (1), intron variant (1).
Genome position (GRCh38, 1-based): chr11:112,087,935, G>A. VCF-style: chr11-112087935-G-A. GRCh37 (hg19) VCF-style: chr11-111958659-G-A.
Other names: c.131G>A, p.Cys44Tyr (NM_001276503.2, NM_001276506.2); c.53-932G>A (NM_001276504.2); c.131G>A (NM_003002.2); short protein forms C44Y.
Identifiers: ClinVar variation 574548 (VCV000574548.9), dbSNP rs1566692479, ClinGen allele CA382617051.